The following is an entry in ClinVar:

NM_001184.4(ATR):c.1169A>G (p.Glu390Gly)

Gene: ATR (ATR checkpoint kinase; minus strand). Cytogenetic location: 3q23.
Variant type: single nucleotide variant.
Coding change: c.1169A>G on transcript NM_001184.4 (MANE Select); coding-DNA position 1169, A replaced by G.
Protein change: p.Glu390Gly; replaces glutamic acid 390 with glycine.
Molecular consequence: missense variant.
Genome position (GRCh38, 1-based): chr3:142,562,233, T>C on the plus strand (A>G on the coding strand, the complement: ATR is on the minus strand). VCF-style: chr3-142562233-T-C. GRCh37 (hg19) VCF-style: chr3-142281075-T-C.
Other names: c.1169A>G, p.Glu390Gly (NM_001354579.2); short protein forms E390G.
Identifiers: ClinVar variation 2453518 (VCV002453518.2), dbSNP rs2473424882, ClinGen allele CA354823519.
Genomic context (GRCh38, chr3:142,562,233, plus strand): 5'-TATACAATTAAATGATGAACAAAATACATACTTAACTAGTAACCTGAAAAATTACTTACC[T>C]CTGCATCTACCTCAATTCCAAGCACATCCAAAAGAGCTTTACAAATATTTCTCACATAGA-3'
Protein context (NP_001175.2, residues 380-400): LDVLGIEVDA[Glu390Gly]YLLGPLYAAL

ClinVar aggregate classification (germline): Uncertain significance (1 of 4 stars; one submission).

Conditions:
Inborn genetic diseases. Identifiers: MedGen C0950123, MeSH D030342.

Submission:

Ambry Genetics
Classification: Uncertain significance for Inborn genetic diseases. Last evaluated: 2022-11-15. Review status: criteria provided, single submitter. Criteria: Ambry Variant Classification Scheme 2023. Collection method: clinical testing. Allele origin: germline.
Comment: The p.E390G variant (also known as c.1169A>G), located in coding exon 4 of the ATR gene, results from an A to G substitution at nucleotide position 1169. The glutamic acid at codon 390 is replaced by glycine, an amino acid with similar properties. This amino acid position is conserved. In addition, this alteration is predicted to be tolerated by in silico analysis. Since supporting evidence is limited at this time, the clinical significance of this alteration remains unclear.